The following is an entry in ClinVar:

ClinVar aggregate classification (germline): Uncertain significance (0 of 4 stars; one submission).

Conditions:
Prostate cancer. Also called: Malignant tumor of prostate. Identifiers: Orphanet 1331, MedGen C0376358, MONDO:0008315, HP:0012125.

Allele frequency attached by ClinVar (database versions not stated): gnomAD exomes below 0.00001.

Submission:

Science for Life laboratory,  Karolinska Institutet
Classification: Uncertain significance for Malignant tumor of prostate. Review status: no assertion criteria provided. Collection method: not provided. Allele origin: somatic.
Comment: TumorID:SWE-4
ClinVar note: Converted during submission from Unknown to Uncertain significance.

NM_015938.5(NMD3):c.503C>T (p.Thr168Ile)

Gene: NMD3 (NMD3 ribosome export adaptor; plus strand). Cytogenetic location: 3q26.1.
Variant type: single nucleotide variant.
Coding change: c.503C>T on transcript NM_015938.5 (MANE Select); coding-DNA position 503, C replaced by T.
Protein change: p.Thr168Ile; replaces threonine 168 with isoleucine.
Molecular consequence: missense variant.
Genome position (GRCh38, 1-based): chr3:161,235,138, C>T. VCF-style: chr3-161235138-C-T. GRCh37 (hg19) VCF-style: chr3-160952926-C-T.
Other names: c.503C>T, p.Thr168Ile (NM_001320227.2); short protein forms T168I.
Identifiers: ClinVar variation 161698 (VCV000161698.2), dbSNP rs193920996, ClinGen allele CA174617.
Genomic context (GRCh38, chr3:161,235,138, plus strand): 5'-GCTTTTTTGTGGGGCATTTATTGATCAAATAATTTATATTTTAGACTTTGCATAAAAAAA[C>T]TTTCTACTATCTGGAACAGTTAATTCTGAAATATGGAATGCATCAGAATACACTTCGTAT-3'
Protein context (NP_057022.2, residues 158-178): QVRQKTLHKK[Thr168Ile]FYYLEQLILK